The following is an entry in ClinVar:

NM_000153.4(GALC):c.1338+159C>T

Gene: GALC (galactosylceramidase; minus strand). Cytogenetic location: 14q31.3.
Variant type: single nucleotide variant.
Coding change: c.1338+159C>T on transcript NM_000153.4 (MANE Select); 159 bases into the intron after coding-DNA position 1338, C replaced by T.
Molecular consequence: intron variant.
Genome position (GRCh38, 1-based): chr14:87,949,686, G>A on the plus strand (C>T on the coding strand, the complement: GALC is on the minus strand). VCF-style: chr14-87949686-G-A. GRCh37 (hg19) VCF-style: chr14-88416030-G-A.
Other names: c.1260+159C>T (NM_001201402.2); c.1269+159C>T (NM_001201401.2).
Identifiers: ClinVar variation 680301 (VCV000680301.1), dbSNP rs3213917, ClinGen allele CA14051850.

ClinVar aggregate classification (germline): Benign (1 of 4 stars; one submission).

Allele frequency attached by ClinVar (database versions not stated): gnomAD 0.45220 and 0.46163; TOPMed 0.46581; 1000 Genomes Project 30x 0.49891; 1000 Genomes Project 0.50539.
gnomAD v4.1: 70,001 of 151,506 alleles (46%); highest among the groups gnomAD compares: East Asian, 78%; 17,421 homozygotes.

Submission:

GeneDx
Classification: Benign. Last evaluated: 2018-06-19. Review status: criteria provided, single submitter. Criteria: GeneDx Variant Classification (06012015). Collection method: clinical testing. Allele origin: germline. Affected: yes.
Comment: This variant is considered likely benign or benign based on one or more of the following criteria: it is a conservative change, it occurs at a poorly conserved position in the protein, it is predicted to be benign by multiple in silico algorithms, and/or has population frequency not consistent with disease.